The following is an entry in ClinVar:

ClinVar aggregate classification (germline): Uncertain significance. Review status: criteria provided, multiple submitters, no conflicts (2 of 4 stars). 2 submissions from 2 submitters: Uncertain significance (2). Last evaluated 2025-08-08.

Conditions:
Andersen Tawil syndrome (LQT7). Also called: Potassium-sensitive periodic paralysis, ventricular ectopy, and dysmorphic features; Andersen Syndrome; PERIODIC PARALYSIS, POTASSIUM-SENSITIVE CARDIODYSRHYTHMIC TYPE; ANDERSEN CARDIODYSRHYTHMIC PERIODIC PARALYSIS; LONG QT SYNDROME 7. Identifiers: Orphanet 37553, MedGen C1563715, MONDO:0008222, OMIM 170390.
Short QT syndrome type 3. Identifiers: Orphanet 51083, MedGen C1865018, MONDO:0012314, OMIM 609622.
KCNJ2-related disorder. Also called: KCNJ2-related condition.

Allele frequency attached by ClinVar (database versions not stated): gnomAD exomes below 0.00001.
gnomAD v4.1: 1 of 1,614,188 alleles (0.000062%); highest among the groups gnomAD compares: Non-Finnish European, 0.000085%; no homozygotes.

Submissions (2):

Labcorp Genetics (formerly Invitae), Labcorp
Classification: Uncertain significance for Short QT syndrome type 3; Andersen Tawil syndrome. Last evaluated: 2025-08-08. Review status: criteria provided, single submitter. Criteria: Invitae Variant Classification Sherloc (09022015). Collection method: clinical testing. Allele origin: germline.
Comment: This sequence change replaces arginine, which is basic and polar, with glutamine, which is neutral and polar, at codon 228 of the KCNJ2 protein (p.Arg228Gln). This variant is not present in population databases (gnomAD no frequency). This variant has not been reported in the literature in individuals affected with KCNJ2-related conditions. ClinVar contains an entry for this variant (Variation ID: 1466863). Invitae Evidence Modeling of protein sequence and biophysical properties (such as structural, functional, and spatial information, amino acid conservation, physicochemical variation, residue mobility, and thermodynamic stability) indicates that this missense variant is expected to disrupt KCNJ2 protein function with a positive predictive value of 95%. Experimental studies have shown that this missense change affects KCNJ2 function (PMID: 12086641, 16533896, 23564459). In summary, the available evidence is currently insufficient to determine the role of this variant in disease. Therefore, it has been classified as a Variant of Uncertain Significance.

PreventionGenetics, part of Exact Sciences
Classification: Uncertain significance for KCNJ2-related condition. Last evaluated: 2025-06-03. Review status: criteria provided, single submitter. Criteria: ACMG Guidelines, 2015. Collection method: clinical testing. Allele origin: germline.
Comment: The KCNJ2 c.683G>A variant is predicted to result in the amino acid substitution p.Arg228Gln. To our knowledge, this variant has not been reported in the literature or in a large population database (gnomAD), indicating this variant is rare. Experimental studies have provided conflicted results regarding its functional effect (Lopes et al. 2002. PubMed ID: 12086641, D'Avanzo et al. 2013. PubMed ID: 23564459). At this time, the clinical significance of this variant is uncertain due to the absence of conclusive functional and genetic evidence.

Literature cited by the submitters: PubMed 12086641 (cited by Labcorp Genetics (formerly Invitae), Labcorp); PubMed 16533896 (cited by Labcorp Genetics (formerly Invitae), Labcorp); PubMed 23564459 (cited by Labcorp Genetics (formerly Invitae), Labcorp).

NM_000891.3(KCNJ2):c.683G>A (p.Arg228Gln)

Gene: KCNJ2 (potassium inwardly rectifying channel subfamily J member 2; plus strand). Cytogenetic location: 17q24.3.
Variant type: single nucleotide variant.
Coding change: c.683G>A on transcript NM_000891.3 (MANE Select); coding-DNA position 683, G replaced by A.
Protein change: p.Arg228Gln; replaces arginine 228 with glutamine.
Molecular consequence: missense variant.
Genome position (GRCh38, 1-based): chr17:70,175,722, G>A. VCF-style: chr17-70175722-G-A. GRCh37 (hg19) VCF-style: chr17-68171863-G-A.
Other names: c.683G>A (NM_000891.2); short protein forms R228Q.
Identifiers: ClinVar variation 1466863 (VCV001466863.9), dbSNP rs1234083049, ClinGen allele CA400861625.